The following is an entry in ClinVar:

NM_001252102.2(KIF21B):c.2596G>T (p.Val866Phe)

Gene: KIF21B (kinesin family member 21B; minus strand). Cytogenetic location: 1q32.1.
Variant type: single nucleotide variant.
Coding change: c.2596G>T on transcript NM_001252102.2 (MANE Select); coding-DNA position 2596, G replaced by T.
Protein change: p.Val866Phe; replaces valine 866 with phenylalanine.
Molecular consequence: missense variant.
Genome position (GRCh38, 1-based): chr1:200,991,008, C>A on the plus strand (G>T on the coding strand, the complement: KIF21B is on the minus strand). VCF-style: chr1-200991008-C-A. GRCh37 (hg19) VCF-style: chr1-200960136-C-A.
Other names: c.2596G>T, p.Val866Phe (NM_001252100.2, NM_001252103.2, NM_017596.4); short protein forms V866F.
Identifiers: ClinVar variation 2504485 (VCV002504485.1), dbSNP rs1479866453, ClinGen allele CA344137989.

ClinVar aggregate classification (germline): Uncertain significance (1 of 4 stars; one submission).

Allele frequency attached by ClinVar (database versions not stated): TOPMed below 0.00001.
gnomAD v4.1: 1 of 1,614,078 alleles (0.000062%); highest among the groups gnomAD compares: African/African-American, 0.0013%; no homozygotes.

Submission:

GeneDx
Classification: Uncertain significance. Last evaluated: 2022-12-01. Review status: criteria provided, single submitter. Criteria: GeneDx Variant Classification Process June 2021. Collection method: clinical testing. Allele origin: germline. Affected: yes.
Comment: Not observed at significant frequency in large population cohorts (gnomAD); In silico analysis supports that this missense variant does not alter protein structure/function; Has not been previously published as pathogenic or benign to our knowledge; In silico analysis suggests this variant may impact gene splicing. In the absence of RNA/functional studies, the actual effect of this sequence change is unknown.